The following is an entry in ClinVar:

ClinVar aggregate classification (germline): Uncertain significance (1 of 4 stars; one submission).

Conditions:
Norman-Roberts syndrome (LIS2). Also called: Lissencephaly 2 (Norman-Roberts type). Identifiers: Orphanet 89844, MedGen C0796089, MONDO:0009760, OMIM 257320.
Familial temporal lobe epilepsy 7. Identifiers: Orphanet 101046, MedGen C4225327, MONDO:0014639, OMIM 616436.

Submission:

Labcorp Genetics (formerly Invitae), Labcorp
Classification: Uncertain significance for Familial temporal lobe epilepsy 7; Norman-Roberts syndrome. Last evaluated: 2021-03-28. Review status: criteria provided, single submitter. Criteria: Invitae Variant Classification Sherloc (09022015). Collection method: clinical testing. Allele origin: germline.
Comment: In summary, the available evidence is currently insufficient to determine the role of this variant in disease. Therefore, it has been classified as a Variant of Uncertain Significance. Algorithms developed to predict the effect of missense changes on protein structure and function are either unavailable or do not agree on the potential impact of this missense change (SIFT: "Deleterious"; PolyPhen-2: "Probably Damaging"; Align-GVGD: "Class C0"). This variant has not been reported in the literature in individuals with RELN-related conditions. This variant is not present in population databases (ExAC no frequency). This sequence change replaces phenylalanine with leucine at codon 2043 of the RELN protein (p.Phe2043Leu). The phenylalanine residue is highly conserved and there is a small physicochemical difference between phenylalanine and leucine.

NM_005045.4(RELN):c.6127T>C (p.Phe2043Leu)

Gene: RELN (reelin; minus strand). Cytogenetic location: 7q22.1.
Variant type: single nucleotide variant.
Coding change: c.6127T>C on transcript NM_005045.4 (MANE Select); coding-DNA position 6127, T replaced by C.
Protein change: p.Phe2043Leu; replaces phenylalanine 2043 with leucine.
Molecular consequence: missense variant.
Genome position (GRCh38, 1-based): chr7:103,551,242, A>G on the plus strand (T>C on the coding strand, the complement: RELN is on the minus strand). VCF-style: chr7-103551242-A-G. GRCh37 (hg19) VCF-style: chr7-103191689-A-G.
Other names: c.6127T>C, p.Phe2043Leu (NM_173054.3); short protein forms F2043L.
Identifiers: ClinVar variation 1382826 (VCV001382826.8), dbSNP rs2117153454, ClinGen allele CA368738551.